The following is an entry in ClinVar:

NM_001165963.4(SCN1A):c.2306T>A (p.Phe769Tyr)

Gene: SCN1A (sodium voltage-gated channel alpha subunit 1; minus strand). Cytogenetic location: 2q24.3.
Variant type: single nucleotide variant.
Coding change: c.2306T>A on transcript NM_001165963.4 (MANE Select); coding-DNA position 2306, T replaced by A.
Protein change: p.Phe769Tyr; replaces phenylalanine 769 with tyrosine.
Molecular consequence: missense variant. On other transcripts: 5 prime UTR variant (1), non-coding transcript variant (1).
Genome position (GRCh38, 1-based): chr2:166,041,340, A>T on the plus strand (T>A on the coding strand, the complement: SCN1A is on the minus strand). VCF-style: chr2-166041340-A-T. GRCh37 (hg19) VCF-style: chr2-166897850-A-T.
Other names: c.2222T>A, p.Phe741Tyr (NM_001165964.3, NM_001353957.2, NM_001353958.2); c.2306T>A, p.Phe769Tyr (NM_001202435.3, NM_001353948.2); c.2273T>A, p.Phe758Tyr (NM_001353949.2, NM_001353950.2, NM_001353951.2 and 2 more transcripts); c.2270T>A, p.Phe757Tyr (NM_001353954.2, NM_001353955.2); c.2219T>A, p.Phe740Tyr (NM_001353960.2); c.-153T>A (NM_001353961.2); short protein forms F740Y, F741Y, F757Y, F758Y, F769Y.
Identifiers: ClinVar variation 3903176 (VCV003903176.1).
Genomic context (GRCh38, chr2:166,041,340, plus strand): 5'-TGCTCCATGGCCATGAAAAGAGTATTTAAGACAATACAGATGGTGATGGCCAGGTCAACA[A>T]ATGGGTCCATCACAACCAGGTTGACAACATGTTTCACTTTTAACCAATATGGAGAACAGT-3'
Protein context (NP_001159435.1, residues 759-779): HVVNLVVMDP[Phe769Tyr]VDLAITICIV

ClinVar aggregate classification (germline): Uncertain significance (1 of 4 stars; one submission).

Submission:

GeneDx
Classification: Uncertain significance. Last evaluated: 2024-12-14. Review status: criteria provided, single submitter. Criteria: GeneDx Variant Classification Process June 2021. Collection method: clinical testing. Allele origin: germline. Affected: yes.
Comment: In silico analysis supports that this missense variant has a deleterious effect on protein structure/function; Not observed at significant frequency in large population cohorts (gnomAD); This substitution is predicted to be within the transmembrane segment S1 of the second homologous domain; This variant is associated with the following publications: (PMID: 35074891, 28202706)